The following is an entry in ClinVar:

NM_000368.5(TSC1):c.1226T>G (p.Ile409Ser)

Gene: TSC1 (TSC complex subunit 1; minus strand). Cytogenetic location: 9q34.13.
Variant type: single nucleotide variant.
Coding change: c.1226T>G on transcript NM_000368.5 (MANE Select); coding-DNA position 1226, T replaced by G.
Protein change: p.Ile409Ser; replaces isoleucine 409 with serine.
Molecular consequence: missense variant. On other transcripts: non-coding transcript variant (5).
Genome position (GRCh38, 1-based): chr9:132,910,608, A>C on the plus strand (T>G on the coding strand, the complement: TSC1 is on the minus strand). VCF-style: chr9-132910608-A-C. GRCh37 (hg19) VCF-style: chr9-135785995-A-C.
Other names: c.1223T>G, p.Ile408Ser (NM_001162426.2, NM_001406599.1, NM_001406600.1 and 6 more transcripts); c.1226T>G, p.Ile409Ser (NM_001406601.1, NM_001406602.1, NM_001406605.1 and 7 more transcripts); c.863T>G, p.Ile288Ser (NM_001406618.1, NM_001406619.1, NM_001406624.1 and 5 more transcripts); c.860T>G, p.Ile287Ser (NM_001406620.1, NM_001406621.1, NM_001406622.1 and 2 more transcripts); c.275T>G, p.Ile92Ser (NM_001406626.1); c.272T>G, p.Ile91Ser (NM_001406627.1, NM_001406628.1); c.1073T>G, p.Ile358Ser (NM_001162427.2, NM_001406610.1); c.1070T>G, p.Ile357Ser (NM_001406611.1, NM_001406612.1, NM_001406613.1); and 1 more; short protein forms I287S, I288S, I357S, I358S, I408S, I409S, I58S, I91S.
Identifiers: ClinVar variation 4866029 (VCV004866029.1).

ClinVar aggregate classification (germline): Uncertain significance (1 of 4 stars; one submission).

Conditions:
Hereditary cancer-predisposing syndrome. Also called: Neoplastic Syndromes, Hereditary; Tumor predisposition; Hereditary Cancer Syndrome; Hereditary neoplastic syndrome. Identifiers: Orphanet 140162, MedGen C0027672, MeSH D009386, MONDO:0015356.

gnomAD v4.1: 1 of 1,613,956 alleles (0.000062%); highest among the groups gnomAD compares: African/African-American, 0.0013%; no homozygotes.

Submission:

Ambry Genetics
Classification: Uncertain significance for Hereditary cancer-predisposing syndrome. Last evaluated: 2026-04-23. Review status: criteria provided, single submitter. Criteria: Ambry Variant Classification Scheme 2023. Collection method: clinical testing. Allele origin: germline.
Comment: The p.I409S variant (also known as c.1226T>G), located in coding exon 10 of the TSC1 gene, results from a T to G substitution at nucleotide position 1226. The isoleucine at codon 409 is replaced by serine, an amino acid with dissimilar properties. This amino acid position is conserved. In addition, this alteration is predicted to be tolerated by in silico analysis. Based on the available evidence, the clinical significance of this variant remains unclear.